The following is an entry in ClinVar:

NM_000440.3(PDE6A):c.1253C>T (p.Thr418Met)

Gene: PDE6A (phosphodiesterase 6A; minus strand). Cytogenetic location: 5q32.
Variant type: single nucleotide variant.
Coding change: c.1253C>T on transcript NM_000440.3 (MANE Select); coding-DNA position 1253, C replaced by T.
Protein change: p.Thr418Met; replaces threonine 418 with methionine.
Molecular consequence: missense variant.
Genome position (GRCh38, 1-based): chr5:149,899,385, G>A on the plus strand (C>T on the coding strand, the complement: PDE6A is on the minus strand). VCF-style: chr5-149899385-G-A. GRCh37 (hg19) VCF-style: chr5-149278948-G-A.
Other names: c.1253C>T (NM_000440.2); short protein forms T418M.
Identifiers: ClinVar variation 1378354 (VCV001378354.9), dbSNP rs756518779, ClinGen allele CA3504753.

ClinVar aggregate classification (germline): Uncertain significance. Review status: criteria provided, multiple submitters, no conflicts (2 of 4 stars). 3 submissions from 3 submitters: Uncertain significance (3). Last evaluated 2024-10-21.

Conditions:
Inborn genetic diseases. Identifiers: MedGen C0950123, MeSH D030342.

Allele frequency attached by ClinVar (database versions not stated): ExAC 0.00002; gnomAD exomes 0.00003 and 0.00005; gnomAD 0.00006; TOPMed 0.00016.
gnomAD v4.1: 58 of 1,613,974 alleles (0.0036%); highest among the groups gnomAD compares: Admixed American, 0.028%; no homozygotes.

Submissions (3):

Blueprint Genetics
Classification: Uncertain significance. Last evaluated: 2024-10-21. Review status: criteria provided, single submitter. Criteria: ACMG Guidelines, 2015. Collection method: clinical testing. Allele origin: germline.

Ambry Genetics
Classification: Uncertain significance for Inborn genetic diseases. Last evaluated: 2024-06-26. Review status: criteria provided, single submitter. Criteria: Ambry Variant Classification Scheme 2023. Collection method: clinical testing. Allele origin: germline.

Labcorp Genetics (formerly Invitae), Labcorp
Classification: Uncertain significance. Last evaluated: 2023-10-13. Review status: criteria provided, single submitter. Criteria: Invitae Variant Classification Sherloc (09022015). Collection method: clinical testing. Allele origin: germline.
Comment: This sequence change replaces threonine, which is neutral and polar, with methionine, which is neutral and non-polar, at codon 418 of the PDE6A protein (p.Thr418Met). This variant is present in population databases (rs756518779, gnomAD 0.02%). This variant has not been reported in the literature in individuals affected with PDE6A-related conditions. ClinVar contains an entry for this variant (Variation ID: 1378354). Advanced modeling of protein sequence and biophysical properties (such as structural, functional, and spatial information, amino acid conservation, physicochemical variation, residue mobility, and thermodynamic stability) performed at Invitae indicates that this missense variant is not expected to disrupt PDE6A protein function. In summary, the available evidence is currently insufficient to determine the role of this variant in disease. Therefore, it has been classified as a Variant of Uncertain Significance.